The following is an entry in ClinVar:

NM_003001.5(SDHC):c.*78G>A

Gene: SDHC (succinate dehydrogenase complex subunit C; plus strand). Cytogenetic location: 1q23.3.
Variant type: single nucleotide variant.
Coding change: c.*78G>A on transcript NM_003001.5 (MANE Select); 78 bases downstream of the stop codon, G replaced by A.
Molecular consequence: 3 prime UTR variant. On other transcripts: missense variant (3).
Genome position (GRCh38, 1-based): chr1:161,362,511, G>A. VCF-style: chr1-161362511-G-A. GRCh37 (hg19) VCF-style: chr1-161332301-G-A.
Other names: c.424G>A, p.Ala142Thr (NM_001035511.3); c.*78G>A (NM_001035512.3, NM_001035513.3, NM_001407115.1 and 5 more transcripts); c.322G>A, p.Ala108Thr (NM_001278172.3); c.367G>A, p.Ala123Thr (NM_001407121.1); c.322G>A (NM_001278172.1); short protein forms A142T, A108T, A123T.
Identifiers: ClinVar variation 41772 (VCV000041772.55), dbSNP rs182629842, ClinGen allele CA011481.

ClinVar aggregate classification (germline): Likely benign. Review status: criteria provided, multiple submitters, no conflicts (2 of 4 stars). 11 submissions from 11 submitters: Likely benign (8). 3 of the submissions do not count toward it. Last evaluated 2026-08-01.

Conditions:
SDHC-related disorder. Also called: SDHC-related condition.
Hereditary cancer-predisposing syndrome. Also called: Neoplastic Syndromes, Hereditary; Hereditary neoplastic syndrome; Hereditary Cancer Syndrome; Tumor predisposition. Identifiers: Orphanet 140162, MedGen C0027672, MeSH D009386, MONDO:0015356.
Pheochromocytoma/paraganglioma syndrome 3. Also called: Paragangliomas 3; SDHC-Related Hereditary Paraganglioma-Pheochromocytoma Syndrome (Paragangliomas 3); SDHC-Related Hereditary Paraganglioma-Pheochromocytoma Syndrome; GLOMUS TUMORS, FAMILIAL, 3. Identifiers: Orphanet 29072, MedGen C1854336, MONDO:0011544, OMIM 605373.
Carney-Stratakis syndrome. Also called: PARAGANGLIOMA AND GASTROINTESTINAL STROMAL TUMOR. Identifiers: Orphanet 97286, MedGen C1847319, MONDO:0011740, OMIM 606864.
Gastrointestinal stromal tumor. Also called: Gastrointestinal stromal tumor, somatic; Gastrointestinal stroma tumor. Identifiers: Orphanet 44890, MedGen C0238198, MeSH D046152, MONDO:0011719, OMIM 606764, HP:0100723.
Hereditary pheochromocytoma and paraganglioma. Also called: Hereditary Paraganglioma-Pheochromocytoma Syndromes; Hereditary paragangliomas and pheochromocytomas; Hereditary pheochromocytoma-paraganglioma. Identifiers: Orphanet 29072, MedGen C4274332, MONDO:0017366.

Allele frequency attached by ClinVar (database versions not stated): TOPMed 0.00164; ESP Exome Variant Server 0.00171; gnomAD 0.00182 and 0.00178; ExAC 0.00181; 1000 Genomes Project 30x 0.00078; 1000 Genomes Project 0.00080.
gnomAD v4.1: 3,389 of 1,610,112 alleles (0.21%); highest among the groups gnomAD compares: Non-Finnish European, 0.25%; 4 homozygotes.

Submissions (11):

CeGaT Center for Human Genetics Tuebingen
Classification: Likely benign. Last evaluated: 2026-08-01. Review status: criteria provided, single submitter. Criteria: CeGaT Center For Human Genetics Tuebingen Variant Classification Criteria Version 2. Collection method: clinical testing. Allele origin: germline. Affected: yes. Observed: 22 variant alleles.
Comment: SDHC: PP3, BS1

Center for Genomic Medicine, Rigshospitalet, Copenhagen University Hospital
Classification: Likely benign. Last evaluated: 2025-03-04. Review status: criteria provided, single submitter. Criteria: ACMG Guidelines, 2015. Collection method: clinical testing. Allele origin: germline.

Blueprint Genetics
Classification: Likely benign. Last evaluated: 2024-11-26. Review status: criteria provided, single submitter. Criteria: ACMG Guidelines, 2015. Collection method: clinical testing. Allele origin: germline.

Institute for Clinical Genetics, University Hospital TU Dresden, University Hospital TU Dresden
Classification: Likely benign. Last evaluated: 2021-11-03. Review status: criteria provided, single submitter. Criteria: ACMG Guidelines, 2015. Collection method: clinical testing. Allele origin: germline.

Sema4
Classification: Likely benign for Hereditary cancer-predisposing syndrome. Last evaluated: 2021-05-17. Review status: criteria provided, single submitter. Criteria: Sema4 Curation Guidelines. Collection method: curation. Allele origin: germline.

GeneDx
Classification: Likely benign. Last evaluated: 2021-05-14. Review status: criteria provided, single submitter. Criteria: GeneDx Variant Classification Process June 2021. Collection method: clinical testing. Allele origin: germline. Affected: yes.
Comment: This variant is associated with the following publications: (PMID: 26073078, 22703879, 25352556)

Department of Pathology and Laboratory Medicine, Sinai Health System
Classification: Likely benign for Pheochromocytoma/paraganglioma syndrome 3; Gastrointestinal stromal tumor; Carney-Stratakis syndrome. Last evaluated: 2020-08-07. Review status: criteria provided, single submitter. Criteria: ACMG Guidelines, 2015. Collection method: research. Allele origin: germline.

Illumina Laboratory Services, Illumina
Classification: Likely benign for Hereditary Paraganglioma-Pheochromocytoma Syndromes. Last evaluated: 2018-06-22. Review status: criteria provided, single submitter. Criteria: ICSL Variant Classification Criteria 13 December 2019. Collection method: clinical testing. Allele origin: germline.
Comment: This variant was observed as part of a predisposition screen in an ostensibly healthy population. A literature search was performed for the gene, cDNA change, and amino acid change (where applicable). Publications were found based on this search. The evidence from the literature, in combination with allele frequency data from public databases where available, was sufficient to determine this variant is unlikely to cause disease. Therefore, this variant is classified as likely benign.

PreventionGenetics, part of Exact Sciences
Classification: Likely benign for SDHC-related condition. Last evaluated: 2020-05-27. Review status: no assertion criteria provided. Collection method: clinical testing. Allele origin: germline. Not counted in ClinVar's aggregate classification.
Comment: This variant is classified as likely benign based on ACMG/AMP sequence variant interpretation guidelines (Richards et al. 2015 PMID: 25741868, with internal and published modifications).

Knight Diagnostic Laboratories, Oregon Health and Sciences University
Classification: Uncertain significance for Hereditary paragangliomas and pheochromocytomas. Last evaluated: 2015-09-26. Review status: no assertion criteria provided. Criteria: ACMG Guidelines, 2015. Collection method: clinical testing. Allele origin: germline. Affected: no. Study: CSER-NextGen. Not counted in ClinVar's aggregate classification.

Biesecker Lab/Clinical Genomics Section, National Institutes of Health
Classification: Uncertain significance. Last evaluated: 2012-07-13. Review status: no assertion criteria provided. Collection method: research. Allele origin: germline. Affected: no. Observed: 1 variant allele. Study: ClinSeq. Not counted in ClinVar's aggregate classification.
ClinVar note: Converted during submission from variant of unknown significance to Uncertain significance.